The following is an entry in ClinVar:

ClinVar aggregate classification (germline): Uncertain significance (1 of 4 stars; one submission).

Conditions:
Hereditary cancer-predisposing syndrome. Also called: Neoplastic Syndromes, Hereditary; Tumor predisposition; Hereditary Cancer Syndrome; Hereditary neoplastic syndrome. Identifiers: Orphanet 140162, MedGen C0027672, MeSH D009386, MONDO:0015356.

Submission:

Ambry Genetics
Classification: Uncertain significance for Hereditary cancer-predisposing syndrome. Last evaluated: 2024-10-02. Review status: criteria provided, single submitter. Criteria: Ambry Variant Classification Scheme 2023. Collection method: clinical testing. Allele origin: germline.
Comment: The p.E726D variant (also known as c.2178A>T), located in coding exon 15 of the PDGFRA gene, results from an A to T substitution at nucleotide position 2178. The glutamic acid at codon 726 is replaced by aspartic acid, an amino acid with highly similar properties. This amino acid position is conserved. In addition, this alteration is predicted to be tolerated by in silico analysis. Based on the available evidence, the clinical significance of this variant remains unclear.

NM_006206.6(PDGFRA):c.2178A>T (p.Glu726Asp)

Gene: PDGFRA (platelet derived growth factor receptor alpha; plus strand). Cytogenetic location: 4q12.
Variant type: single nucleotide variant.
Coding change: c.2178A>T on transcript NM_006206.6 (MANE Select); coding-DNA position 2178, A replaced by T.
Protein change: p.Glu726Asp; replaces glutamic acid 726 with aspartic acid.
Molecular consequence: missense variant.
Genome position (GRCh38, 1-based): chr4:54,280,337, A>T. VCF-style: chr4-54280337-A-T. GRCh37 (hg19) VCF-style: chr4-55146504-A-T.
Other names: c.2178A>T, p.Glu726Asp (NM_001347827.2, NM_001347829.2); c.2253A>T, p.Glu751Asp (NM_001347828.2); c.2217A>T, p.Glu739Asp (NM_001347830.2); short protein forms E751D, E726D, E739D.
Identifiers: ClinVar variation 3416372 (VCV003416372.1).
Genomic context (GRCh38, chr4:54,280,337, plus strand): 5'-AGGGCACCCTGGGTAAGATTTCTCTTTCTGTTTTTACAGCTATGTTATTTTATCTTTTGA[A>T]AACAATGGTGACTACATGGACATGAAGCAGGCTGATACTACACAGTATGTCCCCATGCTA-3'
Protein context (NP_006197.1, residues 716-736): STRSYVILSF[Glu726Asp]NNGDYMDMKQ